The following is an entry in ClinVar:

ClinVar aggregate classification (germline): other (0 of 4 stars; one submission).

Conditions:
Familial colorectal cancer. Identifiers: MedGen CN280943, MONDO:0023113. Disease mechanism: loss of function.

Submission:

Systems Biology Platform Zhejiang California International NanoSystems Institute
Classification: other for Familial colorectal cancer. Review status: no assertion criteria provided. Collection method: not provided. Allele origin: unknown.
ClinVar note: Converted during submission from cancer to other.

NM_000038.6(APC):c.1959-571T>G

Gene: APC (APC regulator of WNT signaling pathway; plus strand). Cytogenetic location: 5q22.2.
Variant type: single nucleotide variant.
Coding change: c.1959-571T>G on transcript NM_000038.6 (MANE Select); 571 bases into the intron before coding-DNA position 1959, T replaced by G.
Molecular consequence: intron variant.
Genome position (GRCh38, 1-based): chr5:112,836,982, T>G. VCF-style: chr5-112836982-T-G. GRCh37 (hg19) VCF-style: chr5-112172679-T-G.
Other names: c.1959-571T>G (NM_001354895.2, NM_001127510.3); c.1989-571T>G (NM_001354897.2); c.1686-571T>G (NM_001354902.2); c.1905-571T>G (NM_001127511.3); c.1884-571T>G (NM_001354898.2); c.1581-571T>G (NM_001354904.2); c.1110-571T>G (NM_001354906.2); c.2013-571T>G (NM_001354896.2); and 5 more.
Identifiers: ClinVar variation 83227 (VCV000083227.2), dbSNP rs75824617, ClinGen allele CA006831.